The following is an entry in ClinVar:

NM_020436.5(SALL4):c.2049C>G (p.Cys683Trp)

Gene: SALL4 (spalt like transcription factor 4; minus strand). Cytogenetic location: 20q13.2.
Variant type: single nucleotide variant.
Coding change: c.2049C>G on transcript NM_020436.5 (MANE Select); coding-DNA position 2049, C replaced by G.
Protein change: p.Cys683Trp; replaces cysteine 683 with tryptophan.
Molecular consequence: missense variant. On other transcripts: intron variant (1).
Genome position (GRCh38, 1-based): chr20:51,790,434, G>C on the plus strand (C>G on the coding strand, the complement: SALL4 is on the minus strand). VCF-style: chr20-51790434-G-C. GRCh37 (hg19) VCF-style: chr20-50406973-G-C.
Other names: c.1150+899C>G (NM_001318031.2); short protein forms C683W.
Identifiers: ClinVar variation 2756707 (VCV002756707.3), dbSNP rs144301539, ClinGen allele CA9912181.
Genomic context (GRCh38, chr20:51,790,434, plus strand): 5'-GCTGGGAGCCTCCTGGGAGCTGACTTCCTCTACATCGATGCTTTCGATGACATCATCATG[G>C]CAGATAGCGCCGGTGCTGCCGTTCTCACCCACGGTCATTGGCTCAGAACCCGTAAAGTCA-3'
Protein context (NP_065169.1, residues 673-693): VGENGSTGAI[Cys683Trp]HDDVIESIDV

ClinVar aggregate classification (germline): Uncertain significance (1 of 4 stars; one submission).

Conditions:
Duane-radial ray syndrome (DRRS). Also called: ACRORENOOCULAR SYNDROME; DR SYNDROME; DUANE ANOMALY WITH RADIAL RAY ABNORMALITIES AND DEAFNESS; Okihiro Syndrome; Duane-Radial Ray Syndrome/Okihiro Syndrome; Duane-Radial Ray Syndrome (DRRS) / Okihiro Syndrome. Identifiers: Orphanet 93293, Orphanet 959, MedGen C1623209, MONDO:0011812, OMIM 607323. Disease mechanism: gain of function.

Allele frequency attached by ClinVar (database versions not stated): gnomAD exomes 0.00002; ExAC 0.00006; gnomAD 0.00018; TOPMed 0.00020; ESP Exome Variant Server 0.00031.
gnomAD v4.1: 55 of 1,614,010 alleles (0.0034%); highest among the groups gnomAD compares: African/African-American, 0.067%; no homozygotes.

Submission:

Labcorp Genetics (formerly Invitae), Labcorp
Classification: Uncertain significance for Duane-radial ray syndrome. Last evaluated: 2025-11-29. Review status: criteria provided, single submitter. Criteria: Invitae Variant Classification Sherloc (09022015). Collection method: clinical testing. Allele origin: germline.
Comment: This sequence change replaces cysteine, which is neutral and slightly polar, with tryptophan, which is neutral and slightly polar, at codon 683 of the SALL4 protein (p.Cys683Trp). This variant is present in population databases (rs144301539, gnomAD 0.06%), and has an allele count higher than expected for a pathogenic variant. This variant has not been reported in the literature in individuals affected with SALL4-related conditions. ClinVar contains an entry for this variant (Variation ID: 2756707). An algorithm developed to predict the effect of missense changes on protein structure and function (PolyPhen-2) suggests that this variant is likely to be disruptive. In summary, the available evidence is currently insufficient to determine the role of this variant in disease. Therefore, it has been classified as a Variant of Uncertain Significance.